The following is an entry in ClinVar:

NM_003072.5(SMARCA4):c.942G>A (p.Ala314=)

Gene: SMARCA4 (SWI/SNF related BAF chromatin remodeling complex subunit ATPase 4; plus strand). Cytogenetic location: 19p13.2.
Variant type: single nucleotide variant.
Coding change: c.942G>A on transcript NM_003072.5 (MANE Select); coding-DNA position 942, G replaced by A.
Protein change: p.Ala314=; no amino-acid change (alanine 314 retained).
Molecular consequence: synonymous variant. On other transcripts: non-coding transcript variant (1).
Genome position (GRCh38, 1-based): chr19:10,987,748, G>A. VCF-style: chr19-10987748-G-A. GRCh37 (hg19) VCF-style: chr19-11098424-G-A.
Other names: c.942G>A, p.Ala314= (NM_001128844.3, NM_001128845.2, NM_001128846.2 and 5 more transcripts).
Identifiers: ClinVar variation 415055 (VCV000415055.22), dbSNP rs567283924, ClinGen allele CA9203639.

ClinVar aggregate classification (germline): Benign/Likely benign. Review status: criteria provided, multiple submitters, no conflicts (2 of 4 stars). 8 submissions from 8 submitters: Benign (5); Likely benign (3). Last evaluated 2026-07-09.

Conditions:
SMARCA4-related disorder. Also called: SMARCA4-related condition.
Hereditary cancer-predisposing syndrome. Also called: Hereditary Cancer Syndrome; Hereditary neoplastic syndrome; Neoplastic Syndromes, Hereditary; Tumor predisposition. Identifiers: Orphanet 140162, MedGen C0027672, MeSH D009386, MONDO:0015356.
Intellectual disability, autosomal dominant 16 (CSS4). Also called: COFFIN-SIRIS SYNDROME 4. Identifiers: Orphanet 1465, MedGen C3553249, MONDO:0013821, OMIM 614609.
Rhabdoid tumor predisposition syndrome 2 (RTPS2). Identifiers: Orphanet 231108, Orphanet 69077, MedGen C2750074, MONDO:0013224, OMIM 613325.

Allele frequency attached by ClinVar (database versions not stated): TOPMed 0.00002; gnomAD 0.00007 and below 0.00001; 1000 Genomes Project 30x 0.00109; 1000 Genomes Project 0.00080.
gnomAD v4.1: 282 of 1,598,276 alleles (0.018%); highest among the groups gnomAD compares: South Asian, 0.28%; 2 homozygotes.

Submissions (8):

Myriad Genetics, Inc.
Classification: Benign for Rhabdoid tumor predisposition syndrome 2. Last evaluated: 2026-07-09. Review status: criteria provided, single submitter. Criteria: Myriad Autosomal Dominant, Autosomal Recessive and X-Linked Classification Criteria (2023). Collection method: clinical testing. Allele origin: unknown.
Comment: This variant is considered benign. This variant is a silent/synonymous amino acid change and it is not expected to impact splicing.

Labcorp Genetics (formerly Invitae), Labcorp
Classification: Benign for Rhabdoid tumor predisposition syndrome 2. Last evaluated: 2026-02-02. Review status: criteria provided, single submitter. Criteria: Invitae Variant Classification Sherloc (09022015). Collection method: clinical testing. Allele origin: germline.

PreventionGenetics, part of Exact Sciences
Classification: Likely benign for SMARCA4-related condition. Last evaluated: 2025-02-08. Review status: criteria provided, single submitter. Criteria: ACMG Guidelines, 2015. Collection method: clinical testing. Allele origin: germline.
Comment: This variant is classified as likely benign based on ACMG/AMP sequence variant interpretation guidelines (Richards et al. 2015 PMID: 25741868, with internal and published modifications).

Blueprint Genetics
Classification: Likely benign. Last evaluated: 2024-09-30. Review status: criteria provided, single submitter. Criteria: ACMG Guidelines, 2015. Collection method: clinical testing. Allele origin: germline.

Quest Diagnostics Nichols Institute San Juan Capistrano
Classification: Benign. Last evaluated: 2023-04-21. Review status: criteria provided, single submitter. Criteria: Quest Diagnostics criteria. Collection method: clinical testing. Allele origin: unknown.

Sema4
Classification: Benign for Hereditary cancer-predisposing syndrome. Last evaluated: 2021-10-11. Review status: criteria provided, single submitter. Criteria: Sema4 Curation Guidelines. Collection method: curation. Allele origin: germline.

Genome-Nilou Lab
Classification: Benign for Intellectual disability, autosomal dominant 16. Last evaluated: 2021-07-15. Review status: criteria provided, single submitter. Criteria: ACMG Guidelines, 2015. Collection method: clinical testing. Allele origin: germline. Affected: no.

Ambry Genetics
Classification: Likely benign for Hereditary cancer-predisposing syndrome. Last evaluated: 2015-11-17. Review status: criteria provided, single submitter. Criteria: Ambry Variant Classification Scheme 2023. Collection method: clinical testing. Allele origin: germline.